The following is an entry in ClinVar:

ClinVar aggregate classification (germline): Pathogenic. Review status: criteria provided, single submitter (1 of 4 stars). 2 submissions from 2 submitters: Pathogenic (1). 1 of the submissions does not count toward it. Last evaluated 2024-09-13.

Conditions:
CDKL5 disorder. Identifiers: MedGen CN296942, MONDO:0100039.
Developmental and epileptic encephalopathy, 2 (DEE2). Also called: INFANTILE SPASM SYNDROME, X-LINKED 2; CDKL5 deficiency disorder. Identifiers: Orphanet 1934, Orphanet 3451, Orphanet 505652, MedGen C4750718, MONDO:0010396, OMIM 300672.

Submissions (2):

Centre for Population Genomics, CPG
Classification: Pathogenic for CDKL5 disorder. Last evaluated: 2024-09-13. Review status: criteria provided, single submitter. Criteria: McKnight et al. (Hum Mutat. 2022). Collection method: curation. Allele origin: germline. Inheritance: X-linked inheritance.
Comment: This variant has been collected from RettBASE and curated to current modified ACMG/AMP criteria. Based on the classification scheme defined by the ClinGen Rett/Angelman-like Expert Panel for Rett/AS-like Disorders Specifications to the ACMG/AMP Variant Interpretation Guidelines VCEP 3.0, this variant is classified as pathogenic. At least the following criteria are met: Predicted to result in loss of function, and LOF is a known mechanism of disease (PVS1). This variant has been identified as a de novo occurrence in an individual with CDKL5 disorder without confirmation of paternity and maternity (PM6, PMID: 21770923). This variant is absent from gnomAD (PM2_Supporting).

RettBASE
Classification: Pathogenic for Epileptic encephalopathy, early infantile, 2. Last evaluated: 2014-03-13. Review status: no assertion criteria provided. Collection method: curation. Allele origin: de novo. Affected: yes. Observed: 1 variant allele. Not counted in ClinVar's aggregate classification.

Literature cited by the submitters: PubMed 21770923 (cited by RettBASE).

NM_001323289.2(CDKL5):c.1238C>G (p.Ser413Ter)

Gene: CDKL5 (cyclin dependent kinase like 5; plus strand). Cytogenetic location: Xp22.13.
Variant type: single nucleotide variant.
Coding change: c.1238C>G on transcript NM_001323289.2 (MANE Select); coding-DNA position 1238, C replaced by G.
Protein change: p.Ser413Ter; replaces serine 413 with a stop codon.
Molecular consequence: nonsense.
Genome position (GRCh38, 1-based): chrX:18,604,162, C>G. VCF-style: chrX-18604162-C-G. GRCh37 (hg19) VCF-style: chrX-18622282-C-G.
Other names: NM_001323289.2(CDKL5):c.1238C>G; p.Ser413Ter; c.1238C>G, p.Ser413Ter (NM_001037343.2, NM_003159.3); short protein forms S413*.
Identifiers: ClinVar variation 143771 (VCV000143771.4), dbSNP rs267608618, ClinGen allele CA170440.